The following is an entry in ClinVar:

NM_004360.5(CDH1):c.49-5C>T

Gene: CDH1 (cadherin 1; plus strand). Cytogenetic location: 16q22.1.
Variant type: single nucleotide variant.
Coding change: c.49-5C>T on transcript NM_004360.5 (MANE Select); 5 bases into the intron before coding-DNA position 49, C replaced by T.
Molecular consequence: intron variant.
Genome position (GRCh38, 1-based): chr16:68,738,292, C>T. VCF-style: chr16-68738292-C-T. GRCh37 (hg19) VCF-style: chr16-68772195-C-T.
Other names: c.49-5C>T (NM_004360.3, NM_001317184.2); c.-1567-5C>T (NM_001317185.2); c.-1771-5C>T (NM_001317186.2).
Identifiers: ClinVar variation 925068 (VCV000925068.10), dbSNP rs1962455069, ClinGen allele CA1139664742.

ClinVar aggregate classification (germline): Conflicting classifications of pathogenicity. Review status: criteria provided, conflicting classifications (1 of 4 stars). 4 submissions from 4 submitters: Uncertain significance (1); Likely benign (3). Last evaluated 2024-11-12.

Conditions:
Hereditary cancer-predisposing syndrome. Also called: Hereditary Cancer Syndrome; Hereditary neoplastic syndrome; Neoplastic Syndromes, Hereditary; Tumor predisposition. Identifiers: Orphanet 140162, MedGen C0027672, MeSH D009386, MONDO:0015356.
Hereditary diffuse gastric adenocarcinoma (HDGC). Also called: DIFFUSE GASTRIC AND LOBULAR BREAST CANCER SYNDROME. Identifiers: Orphanet 26106, MedGen C1708349, MONDO:0007648, OMIM 137215.

Submissions (4):

Color Diagnostics, LLC DBA Color Health
Classification: Likely benign for Hereditary cancer-predisposing syndrome. Last evaluated: 2024-11-12. Review status: criteria provided, single submitter. Criteria: ACMG Guidelines, 2015. Collection method: clinical testing. Allele origin: germline.

Myriad Genetics, Inc.
Classification: Likely benign for Hereditary diffuse gastric adenocarcinoma. Last evaluated: 2024-09-11. Review status: criteria provided, single submitter. Criteria: Myriad Autosomal Dominant, Autosomal Recessive and X-Linked Classification Criteria (2023). Collection method: clinical testing. Allele origin: unknown.
Comment: This variant is considered likely benign. This variant is intronic and is not expected to impact mRNA splicing.

Labcorp Genetics (formerly Invitae), Labcorp
Classification: Likely benign for Hereditary diffuse gastric adenocarcinoma. Last evaluated: 2023-03-24. Review status: criteria provided, single submitter. Criteria: Invitae Variant Classification Sherloc (09022015). Collection method: clinical testing. Allele origin: germline.

Ambry Genetics
Classification: Uncertain significance for Hereditary cancer-predisposing syndrome. Last evaluated: 2023-01-12. Review status: criteria provided, single submitter. Criteria: Ambry Variant Classification Scheme 2023. Collection method: clinical testing. Allele origin: germline.
Comment: The c.49-5C>T intronic variant results from a C to T substitution 5 nucleotides upstream from coding exon 2 in the CDH1 gene. This nucleotide position is not well conserved in available vertebrate species. In silico splice site analysis predicts that this alteration will not have any significant effect on splicing. Since supporting evidence is limited at this time, the clinical significance of this alteration remains unclear.